The following is an entry in ClinVar:

NM_001256789.3(CACNA1F):c.978T>G (p.Cys326Trp)

Gene: CACNA1F (calcium voltage-gated channel subunit alpha1 F; minus strand). Cytogenetic location: Xp11.23.
Variant type: single nucleotide variant.
Coding change: c.978T>G on transcript NM_001256789.3 (MANE Select); coding-DNA position 978, T replaced by G.
Protein change: p.Cys326Trp; replaces cysteine 326 with tryptophan.
Molecular consequence: missense variant.
Genome position (GRCh38, 1-based): chrX:49,228,287, A>C on the plus strand (T>G on the coding strand, the complement: CACNA1F is on the minus strand). VCF-style: chrX-49228287-A-C. GRCh37 (hg19) VCF-style: chrX-49084749-A-C.
Other names: c.783T>G, p.Cys261Trp (NM_001256790.3); c.978T>G, p.Cys326Trp (NM_005183.4); short protein forms C261W, C326W.
Identifiers: ClinVar variation 3648821 (VCV003648821.2).

ClinVar aggregate classification (germline): Uncertain significance (1 of 4 stars; one submission).

Submission:

Labcorp Genetics (formerly Invitae), Labcorp
Classification: Uncertain significance. Last evaluated: 2024-04-04. Review status: criteria provided, single submitter. Criteria: Invitae Variant Classification Sherloc (09022015). Collection method: clinical testing. Allele origin: germline.
Comment: This sequence change replaces cysteine, which is neutral and slightly polar, with tryptophan, which is neutral and slightly polar, at codon 326 of the CACNA1F protein (p.Cys326Trp). This variant is not present in population databases (gnomAD no frequency). This variant has not been reported in the literature in individuals affected with CACNA1F-related conditions. Advanced modeling of protein sequence and biophysical properties (such as structural, functional, and spatial information, amino acid conservation, physicochemical variation, residue mobility, and thermodynamic stability) performed at Invitae indicates that this missense variant is expected to disrupt CACNA1F protein function with a positive predictive value of 80%. In summary, the available evidence is currently insufficient to determine the role of this variant in disease. Therefore, it has been classified as a Variant of Uncertain Significance.